The following is an entry in ClinVar:

ClinVar aggregate classification (germline): Uncertain significance (1 of 4 stars; one submission).

Submission:

Labcorp Genetics (formerly Invitae), Labcorp
Classification: Uncertain significance. Last evaluated: 2022-05-15. Review status: criteria provided, single submitter. Criteria: Invitae Variant Classification Sherloc (09022015). Collection method: clinical testing. Allele origin: germline.
Comment: This sequence change replaces aspartic acid, which is acidic and polar, with asparagine, which is neutral and polar, at codon 1215 of the POLR3A protein (p.Asp1215Asn). This variant is not present in population databases (gnomAD no frequency). This variant has not been reported in the literature in individuals affected with POLR3A-related conditions. Algorithms developed to predict the effect of missense changes on protein structure and function (SIFT, PolyPhen-2, Align-GVGD) all suggest that this variant is likely to be tolerated. In summary, the available evidence is currently insufficient to determine the role of this variant in disease. Therefore, it has been classified as a Variant of Uncertain Significance.

NM_007055.4(POLR3A):c.3643G>A (p.Asp1215Asn)

Gene: POLR3A (RNA polymerase III subunit A; minus strand). Cytogenetic location: 10q22.3.
Variant type: single nucleotide variant.
Coding change: c.3643G>A on transcript NM_007055.4 (MANE Select); coding-DNA position 3643, G replaced by A.
Protein change: p.Asp1215Asn; replaces aspartic acid 1215 with asparagine.
Molecular consequence: missense variant.
Genome position (GRCh38, 1-based): chr10:77,982,270, C>T on the plus strand (G>A on the coding strand, the complement: POLR3A is on the minus strand). VCF-style: chr10-77982270-C-T. GRCh37 (hg19) VCF-style: chr10-79742028-C-T.
Other names: short protein forms D1215N.
Identifiers: ClinVar variation 1994956 (VCV001994956.4), dbSNP rs1847154189, ClinGen allele CA377327525.